The following is an entry in ClinVar:

ClinVar aggregate classification (germline): Pathogenic (1 of 4 stars; one submission).

Submission:

Labcorp Genetics (formerly Invitae), Labcorp
Classification: Pathogenic. Last evaluated: 2021-02-17. Review status: criteria provided, single submitter. Criteria: Invitae Variant Classification Sherloc (09022015). Collection method: clinical testing. Allele origin: germline.
Comment: For these reasons, this variant has been classified as Pathogenic. This variant has not been reported in the literature in individuals with CYP11B2-related conditions. This variant is not present in population databases (ExAC no frequency). This sequence change creates a premature translational stop signal (p.Gln178Argfs*7) in the CYP11B2 gene. It is expected to result in an absent or disrupted protein product. Loss-of-function variants in CYP11B2 are known to be pathogenic (PMID: 20494601, 22801770, 26936515).

Literature cited by the submitters: PubMed 20494601; PubMed 22801770; PubMed 26936515.

NM_000498.3(CYP11B2):c.531del (p.Gln178fs)

Genes: CYP11B2 (cytochrome P450 family 11 subfamily B member 2; minus strand), LOC106799834 (CYP11B2 recombination region; plus strand). Cytogenetic location: 8q24.3.
Variant type: Deletion.
Coding change: c.531del on transcript NM_000498.3 (MANE Select); coding-DNA position 531, one base deleted (G; older notation c.531delG).
Protein change: p.Gln178fs; shifts the reading frame from glutamine 178.
Molecular consequence: frameshift variant.
Genome position (GRCh38, 1-based): chr8:142,915,110, C deleted on the plus strand (G on the coding strand, the reverse complement: CYP11B2 is on the minus strand). VCF-style (leftmost placement, unchanged base first): chr8-142915109-GC-G. GRCh37 (hg19) VCF-style: chr8-143996525-GC-G.
Other names: short protein forms Q178fs.
Identifiers: ClinVar variation 1455200 (VCV001455200.6), dbSNP rs2130330823, ClinGen allele CA2573142874.